The following is an entry in ClinVar:

NM_004100.5(EYA4):c.1839+6C>T

Genes: TARID (TCF21 antisense RNA inducing promoter demethylation; minus strand), EYA4 (EYA transcriptional coactivator and phosphatase 4; plus strand). Cytogenetic location: 6q23.2.
Variant type: single nucleotide variant.
Coding change: c.1839+6C>T on transcript NM_004100.5 (MANE Select); 6 bases into the intron after coding-DNA position 1839, C replaced by T.
Molecular consequence: intron variant.
Genome position (GRCh38, 1-based): chr6:133,525,260, C>T. VCF-style: chr6-133525260-C-T. GRCh37 (hg19) VCF-style: chr6-133846398-C-T.
Other names: c.1857+6C>T (NM_001301013.2); c.1839+145C>T (NM_172105.4); c.1770+145C>T (NM_001370458.1); c.1770+6C>T (NM_172103.4); c.1695+6C>T (NM_001370459.1); c.1677+145C>T (NM_001301012.2).
Identifiers: ClinVar variation 534396 (VCV000534396.8), dbSNP rs1554276050, ClinGen allele CA658796835.

ClinVar aggregate classification (germline): Uncertain significance (1 of 4 stars; one submission).

Conditions:
Dilated cardiomyopathy 1J (CMD1J). Also called: CARDIOMYOPATHY, DILATED, WITH SENSORINEURAL HEARING LOSS, AUTOSOMAL DOMINANT. Identifiers: Orphanet 217622, MedGen C1854368, MONDO:0011541, OMIM 605362.

Allele frequency attached by ClinVar (database versions not stated): gnomAD exomes below 0.00001.
gnomAD v4.1: 2 of 1,608,840 alleles (0.00012%); highest among the groups gnomAD compares: Non-Finnish European, 0.000085%; no homozygotes.

Submission:

Labcorp Genetics (formerly Invitae), Labcorp
Classification: Uncertain significance for Dilated cardiomyopathy 1J. Last evaluated: 2025-10-22. Review status: criteria provided, single submitter. Criteria: Invitae Variant Classification Sherloc (09022015). Collection method: clinical testing. Allele origin: germline.
Comment: This sequence change falls in intron 19 of the EYA4 gene. It does not directly change the encoded amino acid sequence of the EYA4 protein. It affects a nucleotide within the consensus splice site. This variant is not present in population databases (gnomAD no frequency). This variant has not been reported in the literature in individuals affected with EYA4-related conditions. ClinVar contains an entry for this variant (Variation ID: 534396). Variants that disrupt the consensus splice site are a relatively common cause of aberrant splicing (PMID: 17576681, 9536098). Algorithms developed to predict the effect of sequence changes on RNA splicing suggest that this variant is not likely to affect RNA splicing. In summary, the available evidence is currently insufficient to determine the role of this variant in disease. Therefore, it has been classified as a Variant of Uncertain Significance.

Literature cited by the submitters: PubMed 17576681; PubMed 9536098.